The following is an entry in ClinVar:

NM_020975.6(RET):c.673A>C (p.Thr225Pro)

Gene: RET (ret proto-oncogene; plus strand). Cytogenetic location: 10q11.21.
Variant type: single nucleotide variant.
Coding change: c.673A>C on transcript NM_020975.6 (MANE Select); coding-DNA position 673, A replaced by C.
Protein change: p.Thr225Pro; replaces threonine 225 with proline.
Molecular consequence: missense variant. On other transcripts: intron variant (22), 5 prime UTR variant (1).
Genome position (GRCh38, 1-based): chr10:43,104,999, A>C. VCF-style: chr10-43104999-A-C. GRCh37 (hg19) VCF-style: chr10-43600447-A-C.
Other names: c.544A>C, p.Thr182Pro (NM_001406768.1, NM_001406774.1, NM_001406761.1 and 2 more transcripts); c.673A>C, p.Thr225Pro (NM_001406769.1, NM_001406772.1, NM_020630.7 and 6 more transcripts); c.385A>C, p.Thr129Pro (NM_001406770.1, NM_001406766.1, NM_001406767.1); c.625+2370A>C (NM_001406780.1, NM_001406779.1, NM_001406771.1 and 5 more transcripts); c.-90A>C (NM_001355216.2); c.496+2370A>C (NM_001406786.1, NM_001406783.1); c.338-4032A>C (NM_001406778.1, NM_001406775.1, NM_001406776.1 and 1 more transcripts); c.337+4277A>C (NM_001406790.1, NM_001406788.1, NM_001406789.1 and 1 more transcripts); and 2 more; short protein forms T182P, T129P, T225P.
Identifiers: ClinVar variation 3432201 (VCV003432201.2).

ClinVar aggregate classification (germline): Uncertain significance. Review status: criteria provided, multiple submitters, no conflicts (2 of 4 stars). 2 submissions from 2 submitters: Uncertain significance (2). Last evaluated 2024-11-22.

Conditions:
Hereditary cancer-predisposing syndrome. Also called: Neoplastic Syndromes, Hereditary; Tumor predisposition; Hereditary Cancer Syndrome; Hereditary neoplastic syndrome. Identifiers: Orphanet 140162, MedGen C0027672, MeSH D009386, MONDO:0015356.

gnomAD v4.1: 3 of 1,589,544 alleles (0.00019%); highest among the groups gnomAD compares: Non-Finnish European, 0.00026%; no homozygotes.

Submissions (2):

Ambry Genetics
Classification: Uncertain significance for Hereditary cancer-predisposing syndrome. Last evaluated: 2024-11-22. Review status: criteria provided, single submitter. Criteria: Ambry Variant Classification Scheme 2023. Collection method: clinical testing. Allele origin: germline.
Comment: The p.T225P variant (also known as c.673A>C), located in coding exon 4 of the RET gene, results from an A to C substitution at nucleotide position 673. The threonine at codon 225 is replaced by proline, an amino acid with highly similar properties. This amino acid position is conserved. In addition, this alteration is predicted to be tolerated by in silico analysis. Based on the available evidence, the clinical significance of this variant remains unclear.

GeneDx
Classification: Uncertain significance. Last evaluated: 2024-11-01. Review status: criteria provided, single submitter. Criteria: GeneDx Variant Classification Process June 2021. Collection method: clinical testing. Allele origin: germline. Affected: yes.
Comment: Not observed at significant frequency in large population cohorts (gnomAD); In silico analysis indicates that this missense variant does not alter protein structure/function; Has not been previously published as pathogenic or benign to our knowledge; This variant is associated with the following publications: (PMID: 14633923)